The following is an entry in ClinVar:

NM_003803.4(MYOM1):c.4648+3A>G

Gene: MYOM1 (myomesin 1; minus strand). Cytogenetic location: 18p11.31.
Variant type: single nucleotide variant.
Coding change: c.4648+3A>G on transcript NM_003803.4 (MANE Select); 3 bases into the intron after coding-DNA position 4648, A replaced by G.
Molecular consequence: intron variant.
Genome position (GRCh38, 1-based): chr18:3,079,176, T>C on the plus strand (A>G on the coding strand, the complement: MYOM1 is on the minus strand). VCF-style: chr18-3079176-T-C. GRCh37 (hg19) VCF-style: chr18-3079174-T-C.
Other names: c.4360+3A>G (NM_019856.2).
Identifiers: ClinVar variation 1424189 (VCV001424189.7), dbSNP rs2143660291, ClinGen allele CA2573155065.

ClinVar aggregate classification (germline): Uncertain significance (1 of 4 stars; one submission).

Conditions:
Hypertrophic cardiomyopathy. Also called: HYPERTROPHIC MYOCARDIOPATHY. Identifiers: Orphanet 217569, MedGen C0007194, MeSH D002312, MONDO:0005045, HP:0001639.

Submission:

Labcorp Genetics (formerly Invitae), Labcorp
Classification: Uncertain significance for Hypertrophic cardiomyopathy. Last evaluated: 2022-08-30. Review status: criteria provided, single submitter. Criteria: Invitae Variant Classification Sherloc (09022015). Collection method: clinical testing. Allele origin: germline.
Comment: In summary, the available evidence is currently insufficient to determine the role of this variant in disease. Therefore, it has been classified as a Variant of Uncertain Significance. Variants that disrupt the consensus splice site are a relatively common cause of aberrant splicing (PMID: 17576681, 9536098). Algorithms developed to predict the effect of sequence changes on RNA splicing suggest that this variant is not likely to affect RNA splicing. ClinVar contains an entry for this variant (Variation ID: 1424189). This variant has not been reported in the literature in individuals affected with MYOM1-related conditions. This variant is not present in population databases (gnomAD no frequency). This sequence change falls in intron 34 of the MYOM1 gene. It does not directly change the encoded amino acid sequence of the MYOM1 protein. It affects a nucleotide within the consensus splice site.

Literature cited by the submitters: PubMed 17576681; PubMed 9536098.